The following is an entry in ClinVar:

ClinVar aggregate classification (germline): Uncertain significance (1 of 4 stars; one submission).

Allele frequency attached by ClinVar (database versions not stated): TOPMed 0.00002; ExAC 0.00005; gnomAD exomes 0.00010.

Submission:

Labcorp Genetics (formerly Invitae), Labcorp
Classification: Uncertain significance. Last evaluated: 2022-02-12. Review status: criteria provided, single submitter. Criteria: Invitae Variant Classification Sherloc (09022015). Collection method: clinical testing. Allele origin: germline.
Comment: This sequence change replaces tryptophan, which is neutral and slightly polar, with cysteine, which is neutral and slightly polar, at codon 216 of the DLX3 protein (p.Trp216Cys). This variant is present in population databases (rs773054749, gnomAD 0.01%). This variant has not been reported in the literature in individuals affected with DLX3-related conditions. Algorithms developed to predict the effect of missense changes on protein structure and function (SIFT, PolyPhen-2, Align-GVGD) all suggest that this variant is likely to be disruptive. In summary, the available evidence is currently insufficient to determine the role of this variant in disease. Therefore, it has been classified as a Variant of Uncertain Significance.

NM_005220.3(DLX3):c.648G>T (p.Trp216Cys)

Gene: DLX3 (distal-less homeobox 3; minus strand). Cytogenetic location: 17q21.33.
Variant type: single nucleotide variant.
Coding change: c.648G>T on transcript NM_005220.3 (MANE Select); coding-DNA position 648, G replaced by T.
Protein change: p.Trp216Cys; replaces tryptophan 216 with cysteine.
Molecular consequence: missense variant.
Genome position (GRCh38, 1-based): chr17:49,991,733, C>A on the plus strand (G>T on the coding strand, the complement: DLX3 is on the minus strand). VCF-style: chr17-49991733-C-A. GRCh37 (hg19) VCF-style: chr17-48069097-C-A.
Other names: short protein forms W216C.
Identifiers: ClinVar variation 1938353 (VCV001938353.5), dbSNP rs773054749, ClinGen allele CA8640975.